The following is an entry in ClinVar:

NM_015261.3(NCAPD3):c.2400C>T (p.Asp800=)

Gene: NCAPD3 (non-SMC condensin II complex subunit D3; minus strand). Cytogenetic location: 11q25.
Variant type: single nucleotide variant.
Coding change: c.2400C>T on transcript NM_015261.3 (MANE Select); coding-DNA position 2400, C replaced by T.
Protein change: p.Asp800=; no amino-acid change (aspartic acid 800 retained).
Molecular consequence: synonymous variant.
Genome position (GRCh38, 1-based): chr11:134,184,688, G>A on the plus strand (C>T on the coding strand, the complement: NCAPD3 is on the minus strand). VCF-style: chr11-134184688-G-A. GRCh37 (hg19) VCF-style: chr11-134054583-G-A.
Other names: c.2400C>T, p.Asp800= (NM_001372065.1, NM_001372068.1); c.1986C>T, p.Asp662= (NM_001372069.1, NM_001372070.1).
Identifiers: ClinVar variation 3036035 (VCV003036035.2), dbSNP rs148859668, ClinGen allele CA6371305.

ClinVar aggregate classification (germline): Likely benign (0 of 4 stars; one submission).

Conditions:
NCAPD3-related disorder. Also called: NCAPD3-related condition.

Allele frequency attached by ClinVar (database versions not stated): TOPMed 0.00004; gnomAD 0.00007; ESP Exome Variant Server 0.00008; ExAC 0.00017.
gnomAD v4.1: 105 of 1,613,820 alleles (0.0065%); highest among the groups gnomAD compares: South Asian, 0.061%; 2 homozygotes.

Submission:

PreventionGenetics, part of Exact Sciences
Classification: Likely benign for NCAPD3-related condition. Last evaluated: 2023-12-27. Review status: no assertion criteria provided. Collection method: clinical testing. Allele origin: germline.
Comment: This variant is classified as likely benign based on ACMG/AMP sequence variant interpretation guidelines (Richards et al. 2015 PMID: 25741868, with internal and published modifications).